The following is an entry in ClinVar:

ClinVar aggregate classification (germline): Conflicting classifications of pathogenicity. Review status: criteria provided, conflicting classifications (1 of 4 stars). 4 submissions from 4 submitters: Uncertain significance (2); Likely benign (1). 1 of the submissions does not count toward it. Last evaluated 2024-05-13.

Conditions:
PEX14-related disorder. Also called: PEX14-related condition.
Peroxisome biogenesis disorder 13A (Zellweger). Also called: Peroxisome biogenesis disorder 13A. Identifiers: Orphanet 912, MedGen C3554004, MONDO:0013952, OMIM 614887.

Allele frequency attached by ClinVar (database versions not stated): gnomAD exomes 0.00023 and 0.00004; gnomAD 0.00007 and 0.00013; 1000 Genomes Project 0.00080; TOPMed 0.00006; ExAC 0.00023; 1000 Genomes Project 30x 0.00078.
gnomAD v4.1: 87 of 1,612,360 alleles (0.0054%); highest among the groups gnomAD compares: East Asian, 0.14%; no homozygotes.

Submissions (4):

Blueprint Genetics
Classification: Likely benign. Last evaluated: 2024-05-13. Review status: criteria provided, single submitter. Criteria: ACMG Guidelines, 2015. Collection method: clinical testing. Allele origin: germline.

Fulgent Genetics
Classification: Uncertain significance for Peroxisome biogenesis disorder 13A (Zellweger). Last evaluated: 2022-01-05. Review status: criteria provided, single submitter. Criteria: ACMG Guidelines, 2015. Collection method: clinical testing. Allele origin: unknown.

Eurofins Ntd Llc (ga)
Classification: Uncertain significance. Last evaluated: 2017-12-28. Review status: criteria provided, single submitter. Criteria: EGL Classification Definitions 2015. Collection method: clinical testing. Allele origin: germline. Observed: 3 variant alleles, 3 heterozygotes.

PreventionGenetics, part of Exact Sciences
Classification: Likely benign for PEX14-related condition. Last evaluated: 2024-08-07. Review status: no assertion criteria provided. Collection method: clinical testing. Allele origin: germline. Not counted in ClinVar's aggregate classification.
Comment: This variant is classified as likely benign based on ACMG/AMP sequence variant interpretation guidelines (Richards et al. 2015 PMID: 25741868, with internal and published modifications).

NM_004565.3(PEX14):c.1013A>G (p.Asp338Gly)

Gene: PEX14 (peroxisomal biogenesis factor 14; plus strand). Cytogenetic location: 1p36.22.
Variant type: single nucleotide variant.
Coding change: c.1013A>G on transcript NM_004565.3 (MANE Select); coding-DNA position 1013, A replaced by G.
Protein change: p.Asp338Gly; replaces aspartic acid 338 with glycine.
Molecular consequence: missense variant.
Genome position (GRCh38, 1-based): chr1:10,629,866, A>G. VCF-style: chr1-10629866-A-G. GRCh37 (hg19) VCF-style: chr1-10689923-A-G.
Other names: c.1013A>G (NM_004565.2); short protein forms D338G.
Identifiers: ClinVar variation 167452 (VCV000167452.10), dbSNP rs201120958, ClinGen allele CA234529.